The following is an entry in ClinVar:

NM_000092.5(COL4A4):c.3029C>T (p.Pro1010Leu)

Gene: COL4A4 (collagen type IV alpha 4 chain; minus strand). Cytogenetic location: 2q36.3.
Variant type: single nucleotide variant.
Coding change: c.3029C>T on transcript NM_000092.5 (MANE Select); coding-DNA position 3029, C replaced by T.
Protein change: p.Pro1010Leu; replaces proline 1010 with leucine.
Molecular consequence: missense variant.
Genome position (GRCh38, 1-based): chr2:227,051,098, G>A on the plus strand (C>T on the coding strand, the complement: COL4A4 is on the minus strand). VCF-style: chr2-227051098-G-A. GRCh37 (hg19) VCF-style: chr2-227915814-G-A.
Other names: short protein forms P1010L.
Identifiers: ClinVar variation 1980871 (VCV001980871.1), dbSNP rs201227345, ClinGen allele CA2144645.

ClinVar aggregate classification (germline): Uncertain significance (1 of 4 stars; one submission).

Allele frequency attached by ClinVar (database versions not stated): gnomAD exomes 0.00003; 1000 Genomes Project 30x 0.00016; 1000 Genomes Project 0.00020.
gnomAD v4.1: 19 of 1,614,120 alleles (0.0012%); highest among the groups gnomAD compares: East Asian, 0.042%; no homozygotes.

Submission:

Labcorp Genetics (formerly Invitae), Labcorp
Classification: Uncertain significance. Last evaluated: 2020-06-22. Review status: criteria provided, single submitter. Criteria: Invitae Variant Classification Sherloc (09022015). Collection method: clinical testing. Allele origin: germline.
Comment: This sequence change replaces proline with leucine at codon 1010 of the COL4A4 protein (p.Pro1010Leu). The proline residue is highly conserved and there is a moderate physicochemical difference between proline and leucine. This variant is present in population databases (rs201227345, ExAC 0.01%). This variant has not been reported in the literature in individuals with COL4A4-related conditions. In summary, the available evidence is currently insufficient to determine the role of this variant in disease. Therefore, it has been classified as a Variant of Uncertain Significance.